The following is an entry in ClinVar:

ClinVar aggregate classification (germline): Uncertain significance (1 of 4 stars; one submission).

Submission:

Labcorp Genetics (formerly Invitae), Labcorp
Classification: Uncertain significance. Last evaluated: 2023-05-21. Review status: criteria provided, single submitter. Criteria: Invitae Variant Classification Sherloc (09022015). Collection method: clinical testing. Allele origin: germline.
Comment: In summary, the available evidence is currently insufficient to determine the role of this variant in disease. Therefore, it has been classified as a Variant of Uncertain Significance. Advanced modeling of protein sequence and biophysical properties (such as structural, functional, and spatial information, amino acid conservation, physicochemical variation, residue mobility, and thermodynamic stability) performed at Invitae indicates that this missense variant is expected to disrupt GHR protein function. This variant has not been reported in the literature in individuals affected with GHR-related conditions. This variant is not present in population databases (gnomAD no frequency). This sequence change replaces asparagine, which is neutral and polar, with isoleucine, which is neutral and non-polar, at codon 110 of the GHR protein (p.Asn110Ile).

NM_000163.5(GHR):c.329A>T (p.Asn110Ile)

Gene: GHR (growth hormone receptor; plus strand). Cytogenetic location: 5p12.
Variant type: single nucleotide variant.
Coding change: c.329A>T on transcript NM_000163.5 (MANE Select); coding-DNA position 329, A replaced by T.
Protein change: p.Asn110Ile; replaces asparagine 110 with isoleucine.
Molecular consequence: missense variant.
Genome position (GRCh38, 1-based): chr5:42,694,979, A>T. VCF-style: chr5-42694979-A-T. GRCh37 (hg19) VCF-style: chr5-42695081-A-T.
Other names: c.350A>T, p.Asn117Ile (NM_001242399.2); c.329A>T, p.Asn110Ile (NM_001242400.2, NM_001242401.4, NM_001242402.2 and 5 more transcripts); c.263A>T, p.Asn88Ile (NM_001242460.2); short protein forms N117I, N110I, N88I.
Identifiers: ClinVar variation 2716291 (VCV002716291.3), dbSNP rs2530669578, ClinGen allele CA359695125.